The following is an entry in ClinVar:

NM_015978.3(TNNI3K):c.1260A>G (p.Gly420=)

Genes: FPGT-TNNI3K (FPGT-TNNI3K readthrough; plus strand), TNNI3K (TNNI3 interacting kinase; plus strand). Cytogenetic location: 1p31.1.
Variant type: single nucleotide variant.
Coding change: c.1260A>G on transcript NM_015978.3 (MANE Select); coding-DNA position 1260, A replaced by G.
Protein change: p.Gly420=; no amino-acid change (glycine 420 retained).
Molecular consequence: synonymous variant.
Genome position (GRCh38, 1-based): chr1:74,367,338, A>G. VCF-style: chr1-74367338-A-G. GRCh37 (hg19) VCF-style: chr1-74833022-A-G.
Other names: c.1563A>G, p.Gly521= (NM_001112808.3, NM_001199327.2).
Identifiers: ClinVar variation 1999752 (VCV001999752.4), dbSNP rs2524462083, ClinGen allele CA418326047.

ClinVar aggregate classification (germline): Uncertain significance (1 of 4 stars; one submission).

Submission:

Labcorp Genetics (formerly Invitae), Labcorp
Classification: Uncertain significance. Last evaluated: 2022-05-27. Review status: criteria provided, single submitter. Criteria: Invitae Variant Classification Sherloc (09022015). Collection method: clinical testing. Allele origin: germline.
Comment: In summary, the available evidence is currently insufficient to determine the role of this variant in disease. Therefore, it has been classified as a Variant of Uncertain Significance. Algorithms developed to predict the effect of sequence changes on RNA splicing suggest that this variant may disrupt the consensus splice site. This variant has not been reported in the literature in individuals affected with TNNI3K-related conditions. This variant is not present in population databases (gnomAD no frequency). This sequence change affects codon 420 of the TNNI3K mRNA. It is a 'silent' change, meaning that it does not change the encoded amino acid sequence of the TNNI3K protein.